The following is an entry in ClinVar:

ClinVar aggregate classification (germline): Benign (0 of 4 stars; one submission).

Conditions:
IL4R-related disorder. Also called: IL4R-related condition.

Allele frequency attached by ClinVar (database versions not stated): gnomAD exomes 0.13001; ExAC 0.15001; gnomAD 0.24904; 1000 Genomes Project 0.26338; 1000 Genomes Project 30x 0.26483; TOPMed 0.26789; ESP Exome Variant Server 0.27136.
gnomAD v4.1: 228,431 of 1,613,492 alleles (14%); highest among the groups gnomAD compares: African/African-American, 59%; 24,750 homozygotes.

Submission:

PreventionGenetics, part of Exact Sciences
Classification: Benign for IL4R-related condition. Last evaluated: 2019-10-28. Review status: no assertion criteria provided. Collection method: clinical testing. Allele origin: germline.
Comment: This variant is classified as benign based on ACMG/AMP sequence variant interpretation guidelines (Richards et al. 2015 PMID: 25741868, with internal and published modifications).

NM_000418.4(IL4R):c.1299T>C (p.Leu433=)

Gene: IL4R (interleukin 4 receptor; plus strand). Cytogenetic location: 16p12.1.
Variant type: single nucleotide variant.
Coding change: c.1299T>C on transcript NM_000418.4 (MANE Select); coding-DNA position 1299, T replaced by C.
Protein change: p.Leu433=; no amino-acid change (leucine 433 retained).
Molecular consequence: synonymous variant.
Genome position (GRCh38, 1-based): chr16:27,362,651, T>C. VCF-style: chr16-27362651-T-C. GRCh37 (hg19) VCF-style: chr16-27373972-T-C.
Other names: c.1299T>C, p.Leu433= (NM_001257406.2); c.1254T>C, p.Leu418= (NM_001257407.2); c.819T>C, p.Leu273= (NM_001257997.2).
Identifiers: ClinVar variation 3056761 (VCV003056761.2), dbSNP rs2234900, ClinGen allele CA7974533.